The following is an entry in ClinVar:

ClinVar aggregate classification (germline): Likely benign. Review status: criteria provided, multiple submitters, no conflicts (2 of 4 stars). 4 submissions from 4 submitters: Likely benign (4). Last evaluated 2025-12-23.

Conditions:
Familial cancer of breast. Also called: Hereditary breast cancer; hereditary breast carcinoma; BREAST CANCER, FAMILIAL. Identifiers: Orphanet 227535, MedGen C0346153, MONDO:0016419, OMIM 114480. Disease mechanism: loss of function.
Hereditary cancer-predisposing syndrome. Also called: Hereditary Cancer Syndrome; Hereditary neoplastic syndrome; Neoplastic Syndromes, Hereditary; Tumor predisposition. Identifiers: Orphanet 140162, MedGen C0027672, MeSH D009386, MONDO:0015356.

Submissions (4):

Labcorp Genetics (formerly Invitae), Labcorp
Classification: Likely benign for Familial cancer of breast. Last evaluated: 2025-12-23. Review status: criteria provided, single submitter. Criteria: Invitae Variant Classification Sherloc (09022015). Collection method: clinical testing. Allele origin: germline.

Ambry Genetics
Classification: Likely benign for Hereditary cancer-predisposing syndrome. Last evaluated: 2018-12-01. Review status: criteria provided, single submitter. Criteria: Ambry Variant Classification Scheme 2023. Collection method: clinical testing. Allele origin: germline.

GeneKor MSA
Classification: Likely benign for Hereditary cancer-predisposing syndrome. Last evaluated: 2018-08-01. Review status: criteria provided, single submitter. Criteria: ACMG Guidelines, 2015. Collection method: clinical testing. Allele origin: germline. Affected: yes.

GeneDx
Classification: Likely benign. Last evaluated: 2016-06-27. Review status: criteria provided, single submitter. Criteria: GeneDx Variant Classification (06012015). Collection method: clinical testing. Allele origin: germline. Affected: yes.
Comment: This variant is considered likely benign or benign based on one or more of the following criteria: it is a conservative change, it occurs at a poorly conserved position in the protein, it is predicted to be benign by multiple in silico algorithms, and/or has population frequency not consistent with disease.

Literature cited by the submitters: PubMed 29785153 (cited by Ambry Genetics).

NM_007194.4(CHEK2):c.1521T>C (p.Ala507=)

Gene: CHEK2 (checkpoint kinase 2; minus strand). Cytogenetic location: 22q12.1.
Variant type: single nucleotide variant.
Coding change: c.1521T>C on transcript NM_007194.4 (MANE Select); coding-DNA position 1521, T replaced by C.
Protein change: p.Ala507=; no amino-acid change (alanine 507 retained).
Molecular consequence: synonymous variant.
Genome position (GRCh38, 1-based): chr22:28,689,156, A>G on the plus strand (T>C on the coding strand, the complement: CHEK2 is on the minus strand). VCF-style: chr22-28689156-A-G. GRCh37 (hg19) VCF-style: chr22-29085144-A-G.
Other names: c.1650T>C, p.Ala550= (NM_001005735.3); c.858T>C, p.Ala286= (NM_001257387.3); c.1320T>C, p.Ala440= (NM_001349956.3); c.1434T>C, p.Ala478= (NM_145862.3).
Identifiers: ClinVar variation 387366 (VCV000387366.16), dbSNP rs1057522770, ClinGen allele CA16609079.